The following is an entry in ClinVar:

ClinVar aggregate classification (germline): Uncertain significance (1 of 4 stars; one submission).

Submission:

Labcorp Genetics (formerly Invitae), Labcorp
Classification: Uncertain significance. Last evaluated: 2022-06-13. Review status: criteria provided, single submitter. Criteria: Invitae Variant Classification Sherloc (09022015). Collection method: clinical testing. Allele origin: germline.
Comment: This sequence change replaces tryptophan, which is neutral and slightly polar, with glycine, which is neutral and non-polar, at codon 169 of the TMEM38B protein (p.Trp169Gly). This variant is not present in population databases (gnomAD no frequency). This variant has not been reported in the literature in individuals affected with TMEM38B-related conditions. Algorithms developed to predict the effect of missense changes on protein structure and function (SIFT, PolyPhen-2, Align-GVGD) all suggest that this variant is likely to be disruptive. In summary, the available evidence is currently insufficient to determine the role of this variant in disease. Therefore, it has been classified as a Variant of Uncertain Significance.

NM_018112.3(TMEM38B):c.505T>G (p.Trp169Gly)

Gene: TMEM38B (transmembrane protein 38B; plus strand). Cytogenetic location: 9q31.2.
Variant type: single nucleotide variant.
Coding change: c.505T>G on transcript NM_018112.3 (MANE Select); coding-DNA position 505, T replaced by G.
Protein change: p.Trp169Gly; replaces tryptophan 169 with glycine.
Molecular consequence: missense variant.
Genome position (GRCh38, 1-based): chr9:105,722,584, T>G. VCF-style: chr9-105722584-T-G. GRCh37 (hg19) VCF-style: chr9-108484865-T-G.
Other names: short protein forms W169G.
Identifiers: ClinVar variation 1480912 (VCV001480912.3), dbSNP rs2133578817, ClinGen allele CA374380593.